The following is an entry in ClinVar:

NM_006269.2(RP1):c.3756G>T (p.Leu1252Phe)

Gene: RP1 (RP1 axonemal microtubule associated; plus strand). Cytogenetic location: 8q12.1.
Variant type: single nucleotide variant.
Coding change: c.3756G>T on transcript NM_006269.2 (MANE Select); coding-DNA position 3756, G replaced by T.
Protein change: p.Leu1252Phe; replaces leucine 1252 with phenylalanine.
Molecular consequence: missense variant. On other transcripts: intron variant (1).
Genome position (GRCh38, 1-based): chr8:54,627,638, G>T. VCF-style: chr8-54627638-G-T. GRCh37 (hg19) VCF-style: chr8-55540198-G-T.
Other names: c.787+5350G>T (NM_001375654.1); short protein forms L1252F.
Identifiers: ClinVar variation 2823040 (VCV002823040.3), dbSNP rs763850510, ClinGen allele CA370997203.
Genomic context (GRCh38, chr8:54,627,638, plus strand): 5'-CTCCTCTTTGGATGGAGGTTGCTCTGCCAGTGAGGCATGTGCCCCTGAAGTCTGTGTTTT[G>T]GAAGTGACTTGCTCTCCATGTGAGATGTGCACTGTAAATAAGGCTTATTCTCCAAAAGAG-3'
Protein context (NP_006260.1, residues 1242-1262): SEACAPEVCV[Leu1252Phe]EVTCSPCEMC

ClinVar aggregate classification (germline): Uncertain significance (1 of 4 stars; one submission).

Submission:

Labcorp Genetics (formerly Invitae), Labcorp
Classification: Uncertain significance. Last evaluated: 2023-01-30. Review status: criteria provided, single submitter. Criteria: Invitae Variant Classification Sherloc (09022015). Collection method: clinical testing. Allele origin: germline.
Comment: This variant has not been reported in the literature in individuals affected with RP1-related conditions. Algorithms developed to predict the effect of missense changes on protein structure and function (SIFT, PolyPhen-2, Align-GVGD) all suggest that this variant is likely to be tolerated. In summary, the available evidence is currently insufficient to determine the role of this variant in disease. Therefore, it has been classified as a Variant of Uncertain Significance. This variant is not present in population databases (gnomAD no frequency). This sequence change replaces leucine, which is neutral and non-polar, with phenylalanine, which is neutral and non-polar, at codon 1252 of the RP1 protein (p.Leu1252Phe).